The following is an entry in ClinVar:

NM_006231.4(POLE):c.423G>C (p.Leu141Phe)

Gene: POLE (DNA polymerase epsilon, catalytic subunit; minus strand). Cytogenetic location: 12q24.33.
Variant type: single nucleotide variant.
Coding change: c.423G>C on transcript NM_006231.4 (MANE Select); coding-DNA position 423, G replaced by C.
Protein change: p.Leu141Phe; replaces leucine 141 with phenylalanine.
Molecular consequence: missense variant.
Genome position (GRCh38, 1-based): chr12:132,679,954, C>G on the plus strand (G>C on the coding strand, the complement: POLE is on the minus strand). VCF-style: chr12-132679954-C-G. GRCh37 (hg19) VCF-style: chr12-133256540-C-G.
Other names: short protein forms L141F.
Identifiers: ClinVar variation 4711020 (VCV004711020.1).

ClinVar aggregate classification (germline): Uncertain significance (1 of 4 stars; one submission).

Submission:

Labcorp Genetics (formerly Invitae), Labcorp
Classification: Uncertain significance. Last evaluated: 2025-10-29. Review status: criteria provided, single submitter. Criteria: Invitae Variant Classification Sherloc (09022015). Collection method: clinical testing. Allele origin: germline.
Comment: This sequence change replaces leucine, which is neutral and non-polar, with phenylalanine, which is neutral and non-polar, at codon 141 of the POLE protein (p.Leu141Phe). This variant also falls at the last nucleotide of exon 5, which is part of the consensus splice site for this exon. This variant is not present in population databases (gnomAD no frequency). This variant has not been reported in the literature in individuals affected with POLE-related conditions. An algorithm developed to predict the effect of missense changes on protein structure and function (PolyPhen-2) suggests that this variant is likely to be disruptive. Variants that disrupt the consensus splice site are a relatively common cause of aberrant splicing (PMID: 17576681, 9536098). RNA analysis performed to evaluate the impact of this missense change on mRNA splicing indicates it does not significantly alter splicing (internal data). In summary, the available evidence is currently insufficient to determine the role of this variant in disease. Therefore, it has been classified as a Variant of Uncertain Significance.

Literature cited by the submitters: PubMed 17576681; PubMed 9536098.